The following is an entry in ClinVar:

NM_000218.3(KCNQ1):c.1998C>T (p.Thr666=)

Genes: KCNQ1 (potassium voltage-gated channel subfamily Q member 1; plus strand), KCNQ1-AS1 (KCNQ1 antisense RNA 1; minus strand). Cytogenetic location: 11p15.4.
Variant type: single nucleotide variant.
Coding change: c.1998C>T on transcript NM_000218.3 (MANE Select); coding-DNA position 1998, C replaced by T.
Protein change: p.Thr666=; no amino-acid change (threonine 666 retained).
Molecular consequence: synonymous variant.
Genome position (GRCh38, 1-based): chr11:2,847,970, C>T. VCF-style: chr11-2847970-C-T. GRCh37 (hg19) VCF-style: chr11-2869200-C-T.
Other names: c.1902C>T, p.Thr634= (NM_001406836.1); c.1728C>T, p.Thr576= (NM_001406837.1); c.1458C>T, p.Thr486= (NM_001406838.1); c.510C>T, p.Thr170= (NM_001406839.1); c.1617C>T, p.Thr539= (NM_181798.2).
Identifiers: ClinVar variation 925142 (VCV000925142.17), dbSNP rs775497150, ClinGen allele CA216345420.

ClinVar aggregate classification (germline): Likely benign. Review status: criteria provided, multiple submitters, no conflicts (2 of 4 stars). 6 submissions from 6 submitters: Likely benign (6). Last evaluated 2026-10-01.

Conditions:
Cardiac arrhythmia. Also called: Arrhythmia; Cardiac rhythm disease. Identifiers: MedGen C0003811, MONDO:0007263, HP:0011675.
Long QT syndrome (LQTS). Identifiers: MedGen C0023976, MeSH D008133, MONDO:0002442. Disease mechanism: loss of function. Inheritance: Various modes of inheritance.
Cardiovascular phenotype. Identifiers: MedGen CN230736.

Allele frequency attached by ClinVar (database versions not stated): gnomAD 0.00001; gnomAD exomes 0.00002; TOPMed 0.00002.
gnomAD v4.1: 32 of 1,558,328 alleles (0.0021%); highest among the groups gnomAD compares: South Asian, 0.0024%; no homozygotes.

Submissions (6):

CeGaT Center for Human Genetics Tuebingen
Classification: Likely benign. Last evaluated: 2026-10-01. Review status: criteria provided, single submitter. Criteria: CeGaT Center For Human Genetics Tuebingen Variant Classification Criteria Version 2. Collection method: clinical testing. Allele origin: germline. Affected: yes. Observed: 1 variant allele.
Comment: KCNQ1: BP4, BP7

Labcorp Genetics (formerly Invitae), Labcorp
Classification: Likely benign for Long QT syndrome. Last evaluated: 2025-10-18. Review status: criteria provided, single submitter. Criteria: Invitae Variant Classification Sherloc (09022015). Collection method: clinical testing. Allele origin: germline.

Blueprint Genetics
Classification: Likely benign. Last evaluated: 2024-10-17. Review status: criteria provided, single submitter. Criteria: ACMG Guidelines, 2015. Collection method: clinical testing. Allele origin: germline.

Ambry Genetics
Classification: Likely benign for Cardiovascular phenotype. Last evaluated: 2024-09-08. Review status: criteria provided, single submitter. Criteria: Ambry Variant Classification Scheme 2023. Collection method: clinical testing. Allele origin: germline.

All of Us Research Program, National Institutes of Health
Classification: Likely benign for Long QT syndrome. Last evaluated: 2023-11-20. Review status: criteria provided, single submitter. Criteria: ACMG Guidelines, 2015. Collection method: clinical testing. Allele origin: germline. Inheritance: Autosomal dominant inheritance. Observed: 7 variant alleles, 7 heterozygotes.
Comment: This study involves interpretation of variants in research participants for the purpose of population health screening. Participant phenotype was not available at the time of variant classification. Additional details can be found in publication PMID: 35346344, PMCID: PMC8962531

Color Diagnostics, LLC DBA Color Health
Classification: Likely benign for Arrhythmia. Last evaluated: 2018-11-25. Review status: criteria provided, single submitter. Criteria: ACMG Guidelines, 2015. Collection method: clinical testing. Allele origin: germline.